The following is an entry in ClinVar:

NM_001386140.1(MTTP):c.346_347insCTTATACACATCTG (p.Leu116fs)

Gene: MTTP (microsomal triglyceride transfer protein; plus strand). Cytogenetic location: 4q23.
Variant type: Insertion.
Coding change: c.346_347insCTTATACACATCTG on transcript NM_001386140.1 (MANE Select); coding-DNA positions 346 to 347, CTTATACACATCTG inserted.
Protein change: p.Leu116fs; shifts the reading frame from leucine 116.
Molecular consequence: frameshift variant.
Genome position: GRCh38 VCF-style: chr4-99583470-T-TCTTATACACATCTG. GRCh37 (hg19) VCF-style: chr4-100504627-T-TCTTATACACATCTG.
Other names: c.346_347insCTTATACACATCTG, p.Leu116fs (NM_000253.4); c.97_98insCTTATACACATCTG, p.Leu33fs (NM_001300785.2); short protein forms L116fs, L33fs.
Identifiers: ClinVar variation 5010942 (VCV005010942.1).

ClinVar aggregate classification (germline): Pathogenic (1 of 4 stars; one submission).

Conditions:
Abetalipoproteinaemia (ABL). Also called: MTP DEFICIENCY; Abetalipoproteinemia; Abetalipoproteinemia neuropathy; Apolipoprotein B deficiency; Congenital betalipoprotein deficiency syndrome. Identifiers: Orphanet 14, MedGen C0000744, MONDO:0008692, OMIM 200100, HP:0008181.

Submission:

Myriad Genetics, Inc.
Classification: Pathogenic for Abetalipoproteinaemia. Last evaluated: 2024-05-14. Review status: criteria provided, single submitter. Criteria: Myriad Autosomal Dominant, Autosomal Recessive and X-Linked Classification Criteria (2023). Collection method: clinical testing. Allele origin: unknown.
Comment: NM_000253.2(MTTP):c.346_347ins14(L116Sfs*17) is expected to be pathogenic in the context of abetalipoproteinemia. This variant is predicted to lead to an abnormal or absent protein product due to the creation of a premature termination codon in MTTP, a gene where loss-of-function variants are known to be pathogenic. Please note: this variant was assessed in the context of healthy population screening.